The following is an entry in ClinVar:

ClinVar aggregate classification (germline): Uncertain significance (1 of 4 stars; one submission).

Conditions:
Hereditary cancer-predisposing syndrome. Also called: Tumor predisposition; Hereditary Cancer Syndrome; Hereditary neoplastic syndrome; Neoplastic Syndromes, Hereditary. Identifiers: Orphanet 140162, MedGen C0027672, MeSH D009386, MONDO:0015356.

Submission:

Ambry Genetics
Classification: Uncertain significance for Hereditary cancer-predisposing syndrome. Last evaluated: 2025-05-13. Review status: criteria provided, single submitter. Criteria: Ambry Variant Classification Scheme 2023. Collection method: clinical testing. Allele origin: germline.
Comment: The p.M72R variant (also known as c.215T>G), located in coding exon 1 of the SMARCA4 gene, results from a T to G substitution at nucleotide position 215. The methionine at codon 72 is replaced by arginine, an amino acid with similar properties. This amino acid position is highly conserved in available vertebrate species. In addition, the in silico prediction for this alteration is inconclusive. Based on the available evidence, the clinical significance of this variant remains unclear.

NM_003072.5(SMARCA4):c.215T>G (p.Met72Arg)

Gene: SMARCA4 (SWI/SNF related BAF chromatin remodeling complex subunit ATPase 4; plus strand). Cytogenetic location: 19p13.2.
Variant type: single nucleotide variant.
Coding change: c.215T>G on transcript NM_003072.5 (MANE Select); coding-DNA position 215, T replaced by G.
Protein change: p.Met72Arg; replaces methionine 72 with arginine.
Molecular consequence: missense variant. On other transcripts: non-coding transcript variant (1).
Genome position (GRCh38, 1-based): chr19:10,984,366, T>G. VCF-style: chr19-10984366-T-G. GRCh37 (hg19) VCF-style: chr19-11095042-T-G.
Other names: c.215T>G, p.Met72Arg (NM_001128844.3, NM_001128845.2, NM_001128846.2 and 6 more transcripts); short protein forms M72R.
Identifiers: ClinVar variation 2587108 (VCV002587108.3), dbSNP rs1189780551, ClinGen allele CA404054705.